The following is an entry in ClinVar:

ClinVar aggregate classification (germline): Conflicting classifications of pathogenicity. Review status: criteria provided, conflicting classifications (1 of 4 stars). 3 submissions from 3 submitters: Uncertain significance (1); Benign (1); Likely benign (1). Last evaluated 2026-01-02.

Allele frequency attached by ClinVar (database versions not stated): ExAC 0.00005; gnomAD exomes 0.00007 and 0.00008; TOPMed 0.00009; gnomAD 0.00011; ESP Exome Variant Server 0.00015; 1000 Genomes Project 30x 0.00016.
gnomAD v4.1: 141 of 1,614,154 alleles (0.0087%); highest among the groups gnomAD compares: African/African-American, 0.019%; no homozygotes.

Submissions (3):

Labcorp Genetics (formerly Invitae), Labcorp
Classification: Benign. Last evaluated: 2026-01-02. Review status: criteria provided, single submitter. Criteria: Invitae Variant Classification Sherloc (09022015). Collection method: clinical testing. Allele origin: germline.

Women's Health and Genetics/Laboratory Corporation of America, LabCorp
Classification: Likely benign. Last evaluated: 2025-10-22. Review status: criteria provided, single submitter. Criteria: LabCorp Variant Classification Summary - May 2015. Collection method: clinical testing. Allele origin: germline.
Comment: Variant summary: OAS1 c.902C>T (p.Pro301Leu) results in a non-conservative amino acid change in the encoded protein sequence. Algorithms developed to predict the effect of missense changes on protein structure and function all suggest that this variant is likely to be disruptive. The variant allele was found at a frequency of 7.2e-05 in 251350 control chromosomes. The observed variant frequency exceeds the estimated maximal expected allele frequency for disease-causing variants in OAS1. c.902C>T has been observed in the heterozygous state in at least one individual affected with an inborn error of immunity (Vorsteveld_2024). These report(s) do not provide unequivocal conclusions about association of the variant with Pulmonary alveolar proteinosis with hypogammaglobulinemia. To our knowledge, no experimental evidence demonstrating an impact on protein function has been reported. The following publication have been ascertained in the context of this evaluation (PMID: 39369972). ClinVar contains an entry for this variant (Variation ID: 1431517). Based on the evidence outlined above, the variant was classified as likely benign.

Ambry Genetics
Classification: Uncertain significance. Last evaluated: 2021-08-10. Review status: criteria provided, single submitter. Criteria: Ambry Variant Classification Scheme 2023. Collection method: clinical testing. Allele origin: germline.

Literature cited by the submitters: PubMed 39369972 (cited by Women's Health and Genetics/Laboratory Corporation of America, LabCorp).

NM_016816.4(OAS1):c.902C>T (p.Pro301Leu)

Gene: OAS1 (2'-5'-oligoadenylate synthetase 1; plus strand). Cytogenetic location: 12q24.13.
Variant type: single nucleotide variant.
Coding change: c.902C>T on transcript NM_016816.4 (MANE Select); coding-DNA position 902, C replaced by T.
Protein change: p.Pro301Leu; replaces proline 301 with leucine.
Molecular consequence: missense variant.
Genome position (GRCh38, 1-based): chr12:112,917,564, C>T. VCF-style: chr12-112917564-C-T. GRCh37 (hg19) VCF-style: chr12-113355369-C-T.
Other names: c.902C>T, p.Pro301Leu (NM_001032409.3, NM_001320151.2, NM_002534.4); c.902C>T (NM_016816.2); short protein forms P301L.
Identifiers: ClinVar variation 1431517 (VCV001431517.8), dbSNP rs201971047, ClinGen allele CA6799934.